The following is an entry in ClinVar:

NM_020207.7(ERCC6L2):c.2798C>T (p.Thr933Ile)

Gene: ERCC6L2 (ERCC excision repair 6 like 2; plus strand). Cytogenetic location: 9q22.32.
Variant type: single nucleotide variant.
Coding change: c.2798C>T on transcript NM_020207.7 (MANE Select); coding-DNA position 2798, C replaced by T.
Protein change: p.Thr933Ile; replaces threonine 933 with isoleucine.
Molecular consequence: missense variant. On other transcripts: non-coding transcript variant (1).
Genome position (GRCh38, 1-based): chr9:95,972,549, C>T. VCF-style: chr9-95972549-C-T. GRCh37 (hg19) VCF-style: chr9-98734831-C-T.
Other names: c.2798C>T, p.Thr933Ile (NM_001375291.1, NM_001375292.1, NM_001375293.1 and 1 more transcripts); short protein forms T933I.
Identifiers: ClinVar variation 2879583 (VCV002879583.1), dbSNP rs1564276239, ClinGen allele CA1865839953.

ClinVar aggregate classification (germline): Uncertain significance (1 of 4 stars; one submission).

Allele frequency attached by ClinVar (database versions not stated): gnomAD exomes below 0.00001.
gnomAD v4.1: 1 of 1,289,658 alleles (0.000078%); highest among the groups gnomAD compares: Non-Finnish European, 0.0001%; no homozygotes.

Submission:

Labcorp Genetics (formerly Invitae), Labcorp
Classification: Uncertain significance. Last evaluated: 2022-12-29. Review status: criteria provided, single submitter. Criteria: Invitae Variant Classification Sherloc (09022015). Collection method: clinical testing. Allele origin: germline.
Comment: In summary, the available evidence is currently insufficient to determine the role of this variant in disease. Therefore, it has been classified as a Variant of Uncertain Significance. Algorithms developed to predict the effect of missense changes on protein structure and function are either unavailable or do not agree on the potential impact of this missense change (SIFT: "Tolerated"; PolyPhen-2: "Not Available"; Align-GVGD: "Class C0"). This variant has not been reported in the literature in individuals affected with ERCC6L2-related conditions. This variant is not present in population databases (gnomAD no frequency). This sequence change replaces threonine, which is neutral and polar, with isoleucine, which is neutral and non-polar, at codon 944 of the ERCC6L2 protein (p.Thr944Ile).